The following is an entry in ClinVar:

ClinVar aggregate classification (germline): Uncertain significance (1 of 4 stars; one submission).

Conditions:
Primary ciliary dyskinesia. Also called: Ciliary dyskinesia. Identifiers: Orphanet 244, MedGen C0008780, MONDO:0016575, HP:0012265.

gnomAD v4.1: 16 of 1,613,614 alleles (0.00099%); highest among the groups gnomAD compares: Admixed American, 0.018%; no homozygotes.

Submission:

Labcorp Genetics (formerly Invitae), Labcorp
Classification: Uncertain significance for Primary ciliary dyskinesia. Last evaluated: 2026-01-28. Review status: criteria provided, single submitter. Criteria: Invitae Variant Classification Sherloc (09022015). Collection method: clinical testing. Allele origin: germline.
Comment: This sequence change replaces alanine, which is neutral and non-polar, with valine, which is neutral and non-polar, at codon 670 of the DNAAF1 protein (p.Ala670Val). This variant is present in population databases (rs764156932, gnomAD 0.03%). This variant has not been reported in the literature in individuals affected with DNAAF1-related conditions. An algorithm developed to predict the effect of missense changes on protein structure and function outputs the following: PolyPhen-2: "Benign". The valine amino acid residue is found in multiple mammalian species, which suggests that this missense change does not adversely affect protein function. In summary, the available evidence is currently insufficient to determine the role of this variant in disease. Therefore, it has been classified as a Variant of Uncertain Significance.

NM_178452.6(DNAAF1):c.2009C>T (p.Ala670Val)

Gene: DNAAF1 (dynein axonemal assembly factor 1; plus strand). Cytogenetic location: 16q24.1.
Variant type: single nucleotide variant.
Coding change: c.2009C>T on transcript NM_178452.6 (MANE Select); coding-DNA position 2009, C replaced by T.
Protein change: p.Ala670Val; replaces alanine 670 with valine.
Molecular consequence: missense variant.
Genome position (GRCh38, 1-based): chr16:84,176,243, C>T. VCF-style: chr16-84176243-C-T. GRCh37 (hg19) VCF-style: chr16-84209849-C-T.
Other names: c.1301C>T, p.Ala434Val (NM_001318756.1); short protein forms A434V, A670V.
Identifiers: ClinVar variation 4745714 (VCV004745714.1).